The following is an entry in ClinVar:

ClinVar aggregate classification (germline): Likely pathogenic (1 of 4 stars; one submission).

Conditions:
Dilated cardiomyopathy 1G (CMD1G). Identifiers: Orphanet 154, MedGen C1858763, MONDO:0011400, OMIM 604145.
Autosomal recessive limb-girdle muscular dystrophy type 2J (LGMDR10). Also called: Limb-girdle muscular dystrophy, type 2J; MUSCULAR DYSTROPHY, LIMB-GIRDLE, AUTOSOMAL RECESSIVE 10. Identifiers: Orphanet 140922, MedGen C1837342, MONDO:0012127, OMIM 608807.

Submission:

Labcorp Genetics (formerly Invitae), Labcorp
Classification: Likely pathogenic for Dilated cardiomyopathy 1G; Autosomal recessive limb-girdle muscular dystrophy type 2J. Last evaluated: 2024-10-18. Review status: criteria provided, single submitter. Criteria: Invitae Variant Classification Sherloc (09022015). Collection method: clinical testing. Allele origin: germline.
Comment: This sequence change creates a premature translational stop signal (p.Leu4084*) in the TTN gene. While this is not anticipated to result in nonsense mediated decay, it is expected to create a truncated TTN protein. This variant is not present in population databases (gnomAD no frequency). This variant has not been observed in the literature in individuals with autosomal recessive TTN-related conditions. This variant has been reported in individual(s) with autosomal dominant dilated cardiomyopathy (internal data); however, the role of the variant in this condition is currently unclear. This variant is located in the I band of TTN (PMID: 25589632). Truncating variants in this region have been reported in individuals affected with autosomal recessive centronuclear myopathy (PMID: 23975875, internal data). Truncating variants in this region have also been identified in individuals affected with autosomal dominant dilated cardiomyopathy and/or cardio-related conditions (PMID: 27869827, 32964742, internal data). In summary, the currently available evidence indicates that the variant is pathogenic, but additional data are needed to prove that conclusively. Therefore, this variant has been classified as Likely Pathogenic.

Literature cited by the submitters: PubMed 25589632; PubMed 23975875; PubMed 27869827; PubMed 32964742.

NM_001267550.2(TTN):c.12251T>G (p.Leu4084Ter)

Gene: TTN (titin; minus strand). Cytogenetic location: 2q31.2.
Variant type: single nucleotide variant.
Coding change: c.12251T>G on transcript NM_001267550.2 (MANE Select); coding-DNA position 12251, T replaced by G.
Protein change: p.Leu4084Ter; replaces leucine 4084 with a stop codon.
Molecular consequence: nonsense. On other transcripts: intron variant (1).
Genome position (GRCh38, 1-based): chr2:178,740,982, A>C on the plus strand (T>G on the coding strand, the complement: TTN is on the minus strand). VCF-style: chr2-178740982-A-C. GRCh37 (hg19) VCF-style: chr2-179605709-A-C.
Other names: c.11300T>G, p.Leu3767Ter (NM_001256850.1); c.11162T>G, p.Leu3721Ter (NM_003319.4); c.11537T>G, p.Leu3846Ter (NM_133432.3); c.11738T>G, p.Leu3913Ter (NM_133437.4); c.10361-2622T>G (NM_133378.4); short protein forms L3721*, L3913*, L4084*, L3767*, L3846*.
Identifiers: ClinVar variation 2949386 (VCV002949386.3), dbSNP rs2530693208, ClinGen allele CA349615928.